The following is an entry in ClinVar:

ClinVar aggregate classification (germline): Uncertain significance (1 of 4 stars; one submission).

Submission:

GeneDx
Classification: Uncertain significance. Last evaluated: 2023-02-02. Review status: criteria provided, single submitter. Criteria: GeneDx Variant Classification Process June 2021. Collection method: clinical testing. Allele origin: germline. Affected: yes.
Comment: Not observed at significant frequency in large population cohorts (gnomAD); In silico analysis supports that this missense variant does not alter protein structure/function; Has not been previously published as pathogenic or benign to our knowledge

NM_173495.3(PTCHD1):c.170C>A (p.Ala57Glu)

Gene: PTCHD1 (patched domain containing 1; plus strand). Cytogenetic location: Xp22.11.
Variant type: single nucleotide variant.
Coding change: c.170C>A on transcript NM_173495.3 (MANE Select); coding-DNA position 170, C replaced by A.
Protein change: p.Ala57Glu; replaces alanine 57 with glutamic acid.
Molecular consequence: missense variant.
Genome position (GRCh38, 1-based): chrX:23,335,045, C>A. VCF-style: chrX-23335045-C-A. GRCh37 (hg19) VCF-style: chrX-23353162-C-A.
Other names: short protein forms A57E.
Identifiers: ClinVar variation 2575005 (VCV002575005.1), dbSNP rs2518737619, ClinGen allele CA412579090.